The following is an entry in ClinVar:

ClinVar aggregate classification (germline): Likely benign. Review status: reviewed by expert panel (3 of 4 stars). 2 submissions from 2 submitters: Likely benign (1). 1 of the submissions does not count toward it. Last evaluated 2024-09-18.

Conditions:
Hereditary thrombocytopenia and hematologic cancer predisposition syndrome. Identifiers: Orphanet 71290, MedGen CN281654, MONDO:0011071.
Hereditary thrombocytopenia and hematological cancer predisposition syndrome associated with RUNX1. Also called: Familial Platelet Disorder with Propensity to Acute Myelogenous Leukemia; Familial thrombocytopenia with propensity to acute myelogenous leukemia; PLATELET DISORDER, ASPIRIN-LIKE; RUNX1 Familial Platelet Disorder with Associated Myeloid Malignancies. Identifiers: Orphanet 71290, MedGen C1832388, MeSH C563324, MONDO:0100083, OMIM 601399.

Submissions (2):

ClinGen Myeloid Malignancy Variant Curation Expert Panel
Classification: Likely benign for Hereditary thrombocytopenia and hematologic cancer predisposition syndrome. Last evaluated: 2024-09-18. Review status: reviewed by expert panel. Criteria: ClinGen MyeloMalig ACMG Specifications v2. Collection method: curation. Allele origin: germline. Inheritance: Autosomal dominant inheritance.
Comment: NM_001754.5(RUNX1):c.375A>G (p.Pro125=) is a synonymous variant which has a SpliceAI score ≤ 0.20 (0.01) (BP4). This variant has a SpliceAI score ≤ 0.20 (0.01) and evolutionary conservation algorithms predict the site as being not conserved (PhyloP score ≤ 2.0 (-3.10) (BP7). This variant is completely absent from all population databases with at least 20x coverage for RUNX1 (PM2_Supporting). In summary, this variant meets criteria to be classified as likely benign. ACMG/AMP criteria applied, as specified by the Myeloid Malignancy Variant Curation Expert Panel for RUNX1: BP4, BP7, PM2_supporting.

Labcorp Genetics (formerly Invitae), Labcorp
Classification: Likely benign for Hereditary thrombocytopenia and hematological cancer predisposition syndrome associated with RUNX1. Last evaluated: 2021-02-20. Review status: criteria provided, single submitter. Criteria: Invitae Variant Classification Sherloc (09022015). Collection method: clinical testing. Allele origin: germline. Not counted in ClinVar's aggregate classification.

NM_001754.5(RUNX1):c.375A>G (p.Pro125=)

Genes: RUNX1-AS1 (RUNX1 antisense RNA 1; plus strand), RUNX1 (RUNX family transcription factor 1; minus strand). Cytogenetic location: 21q22.12.
Variant type: single nucleotide variant.
Coding change: c.375A>G on transcript NM_001754.5 (MANE Select); coding-DNA position 375, A replaced by G.
Protein change: p.Pro125=; no amino-acid change (proline 125 retained).
Molecular consequence: synonymous variant.
Genome position (GRCh38, 1-based): chr21:34,880,690, T>C on the plus strand (A>G on the coding strand, the complement: RUNX1 is on the minus strand). VCF-style: chr21-34880690-T-C. GRCh37 (hg19) VCF-style: chr21-36252987-T-C.
Other names: NM_001754.5(RUNX1):c.375A>G; p.Pro125=; c.294A>G, p.Pro98= (NM_001001890.3, NM_001122607.2).
Identifiers: ClinVar variation 1635529 (VCV001635529.9), dbSNP rs2057889426, ClinGen allele CA512318776.